The following is an entry in ClinVar:

NM_014704.4(CEP104):c.852C>T (p.Tyr284=)

Gene: CEP104 (centrosomal protein 104; minus strand). Cytogenetic location: 1p36.32.
Variant type: single nucleotide variant.
Coding change: c.852C>T on transcript NM_014704.4 (MANE Select); coding-DNA position 852, C replaced by T.
Protein change: p.Tyr284=; no amino-acid change (tyrosine 284 retained).
Molecular consequence: synonymous variant.
Genome position (GRCh38, 1-based): chr1:3,839,003, G>A on the plus strand (C>T on the coding strand, the complement: CEP104 is on the minus strand). VCF-style: chr1-3839003-G-A. GRCh37 (hg19) VCF-style: chr1-3755567-G-A.
Identifiers: ClinVar variation 2638109 (VCV002638109.25), dbSNP rs774609492, ClinGen allele CA551796.

ClinVar aggregate classification (germline): Likely benign. Review status: criteria provided, multiple submitters, no conflicts (2 of 4 stars). 2 submissions from 2 submitters: Likely benign (2). Last evaluated 2024-07-15.

Allele frequency attached by ClinVar (database versions not stated): gnomAD 0.00001; TOPMed 0.00001; ExAC 0.00002.
gnomAD v4.1: 12 of 1,613,954 alleles (0.00074%); highest among the groups gnomAD compares: East Asian, 0.0022%; no homozygotes.

Submissions (2):

Blueprint Genetics
Classification: Likely benign. Last evaluated: 2024-07-15. Review status: criteria provided, single submitter. Criteria: ACMG Guidelines, 2015. Collection method: clinical testing. Allele origin: germline.

CeGaT Center for Human Genetics Tuebingen
Classification: Likely benign. Last evaluated: 2023-03-01. Review status: criteria provided, single submitter. Criteria: CeGaT Center For Human Genetics Tuebingen Variant Classification Criteria Version 2. Collection method: clinical testing. Allele origin: germline. Affected: yes. Observed: 1 variant allele.
Comment: CEP104: BP4, BP7